The following is an entry in ClinVar:

ClinVar aggregate classification (germline): Uncertain significance (1 of 4 stars; one submission).

Conditions:
Immunodeficiency. Identifiers: MedGen C0021051, MONDO:0021094, HP:0002721.

Submission:

Labcorp Genetics (formerly Invitae), Labcorp
Classification: Uncertain significance for Immunodeficiency. Last evaluated: 2019-04-03. Review status: criteria provided, single submitter. Criteria: Invitae Variant Classification Sherloc (09022015). Collection method: clinical testing. Allele origin: germline.
Comment: This sequence change replaces glycine with valine at codon 768 of the NFAT5 protein (p.Gly768Val). The glycine residue is moderately conserved and there is a moderate physicochemical difference between glycine and valine. This variant is not present in population databases (ExAC no frequency). This variant has not been reported in the literature in individuals with NFAT5-related conditions. Algorithms developed to predict the effect of missense changes on protein structure and function (SIFT, PolyPhen-2, Align-GVGD) all suggest that this variant is likely to be tolerated, but these predictions have not been confirmed by published functional studies and their clinical significance is uncertain. In summary, the available evidence is currently insufficient to determine the role of this variant in disease. Therefore, it has been classified as a Variant of Uncertain Significance.

NM_138713.4(NFAT5):c.2585G>T (p.Gly862Val)

Gene: NFAT5 (nuclear factor of activated T cells 5; plus strand). Cytogenetic location: 16q22.1.
Variant type: single nucleotide variant.
Coding change: c.2585G>T on transcript NM_138713.4 (MANE Select); coding-DNA position 2585, G replaced by T.
Protein change: p.Gly862Val; replaces glycine 862 with valine.
Molecular consequence: missense variant.
Genome position (GRCh38, 1-based): chr16:69,692,410, G>T. VCF-style: chr16-69692410-G-T. GRCh37 (hg19) VCF-style: chr16-69726313-G-T.
Other names: c.2582G>T, p.Gly861Val (NM_001113178.3); c.1910G>T, p.Gly637Val (NM_001367709.1); c.2531G>T, p.Gly844Val (NM_006599.4); c.2303G>T, p.Gly768Val (NM_138714.4, NM_173214.3, NM_173215.3); short protein forms G861V, G862V, G637V, G768V, G844V.
Identifiers: ClinVar variation 856713 (VCV000856713.9), dbSNP rs768808566, ClinGen allele CA396510303.